The following is an entry in ClinVar:

ClinVar aggregate classification (germline): Conflicting classifications of pathogenicity. Review status: criteria provided, conflicting classifications (1 of 4 stars). 6 submissions from 6 submitters: Uncertain significance (2); Benign (1); Likely benign (3). Last evaluated 2025-10-22.

Conditions:
Microcephaly 2, primary, autosomal recessive, with or without cortical malformations. Also called: WDR62 Primary Microcephaly; MICROCEPHALY 2, PRIMARY, AUTOSOMAL RECESSIVE, WITH CORTICAL MALFORMATIONS. Identifiers: Orphanet 2512, MedGen C1858535, MONDO:0011435, OMIM 604317.

Allele frequency attached by ClinVar (database versions not stated): gnomAD 0.00041 and 0.00050; TOPMed 0.00046; ESP Exome Variant Server 0.00038; gnomAD exomes 0.00053 and 0.00088; 1000 Genomes Project 30x 0.00078; 1000 Genomes Project 0.00080; ExAC 0.00103.
gnomAD v4.1: 878 of 1,613,774 alleles (0.054%); highest among the groups gnomAD compares: Middle Eastern, 0.68%; 4 homozygotes.

Submissions (6):

Labcorp Genetics (formerly Invitae), Labcorp
Classification: Benign. Last evaluated: 2025-10-22. Review status: criteria provided, single submitter. Criteria: Invitae Variant Classification Sherloc (09022015). Collection method: clinical testing. Allele origin: germline.

CeGaT Center for Human Genetics Tuebingen
Classification: Likely benign. Last evaluated: 2024-05-01. Review status: criteria provided, single submitter. Criteria: CeGaT Center For Human Genetics Tuebingen Variant Classification Criteria Version 2. Collection method: clinical testing. Allele origin: germline. Affected: yes. Observed: 4 variant alleles.
Comment: WDR62: BP4, BS2

GeneDx
Classification: Likely benign. Last evaluated: 2018-11-08. Review status: criteria provided, single submitter. Criteria: GeneDx Variant Classification Process June 2021. Collection method: clinical testing. Allele origin: germline. Affected: yes.
Comment: This variant is associated with the following publications: (PMID: 25167861)

Illumina Laboratory Services, Illumina
Classification: Uncertain significance for Microcephaly 2, primary, autosomal recessive, with or without cortical malformations. Last evaluated: 2018-01-12. Review status: criteria provided, single submitter. Criteria: ICSL Variant Classification Criteria 13 December 2019. Collection method: clinical testing. Allele origin: germline.

Eurofins Ntd Llc (ga)
Classification: Uncertain significance. Last evaluated: 2017-02-17. Review status: criteria provided, single submitter. Criteria: EGL Classification Definitions 2015. Collection method: clinical testing. Allele origin: germline. Observed: 2 variant alleles, 2 heterozygotes.

Genetic Services Laboratory, University of Chicago
Classification: Likely benign. Last evaluated: 2015-08-25. Review status: criteria provided, single submitter. Criteria: ACMG Guidelines, 2015. Collection method: clinical testing. Allele origin: germline. Affected: no.

NM_001083961.2(WDR62):c.4159C>A (p.Leu1387Ile)

Gene: WDR62 (WD repeat domain 62; plus strand). Cytogenetic location: 19q13.12.
Variant type: single nucleotide variant.
Coding change: c.4159C>A on transcript NM_001083961.2 (MANE Select); coding-DNA position 4159, C replaced by A.
Protein change: p.Leu1387Ile; replaces leucine 1387 with isoleucine.
Molecular consequence: missense variant.
Genome position (GRCh38, 1-based): chr19:36,104,523, C>A. VCF-style: chr19-36104523-C-A. GRCh37 (hg19) VCF-style: chr19-36595425-C-A.
Other names: c.4144C>A, p.Leu1382Ile (NM_173636.5); short protein forms L1387I, L1382I.
Identifiers: ClinVar variation 160300 (VCV000160300.65), dbSNP rs147652186, ClinGen allele CA243734.
Genomic context (GRCh38, chr19:36,104,523, plus strand): 5'-CGCTCACACCAATGGAATGCAGCTCATCTTGCTCATTCCCTTCTCTCTACCCCAGGTGCA[C>A]TTGGTCTGTTACAGGGCAGCCCTGCCCGCTGGAGTGAGCCCTGGGTGCCGGTTGAAGCCC-3'
Protein context (NP_001077430.1, residues 1377-1397): ASLLEPTSGA[Leu1387Ile]GLLQGSPARW